The following is an entry in ClinVar:

ClinVar aggregate classification (germline): Benign. Review status: criteria provided, multiple submitters, no conflicts (2 of 4 stars). 3 submissions from 3 submitters: Benign (3). Last evaluated 2026-09-01.

Allele frequency attached by ClinVar (database versions not stated): 1000 Genomes Project 30x 0.00234; 1000 Genomes Project 0.00240; TOPMed 0.00395; ESP Exome Variant Server 0.00423; gnomAD 0.00510 and 0.00523; gnomAD exomes 0.00521 and 0.00640; ExAC 0.00527.
gnomAD v4.1: 10,051 of 1,614,068 alleles (0.62%); highest among the groups gnomAD compares: Non-Finnish European, 0.71%; 41 homozygotes.

Submissions (3):

CeGaT Center for Human Genetics Tuebingen
Classification: Benign. Last evaluated: 2026-09-01. Review status: criteria provided, single submitter. Criteria: CeGaT Center For Human Genetics Tuebingen Variant Classification Criteria Version 2. Collection method: clinical testing. Allele origin: germline. Affected: yes. Observed: 29 variant alleles.
Comment: SOX5: BP4, BS1, BS2

Labcorp Genetics (formerly Invitae), Labcorp
Classification: Benign. Last evaluated: 2019-12-31. Review status: criteria provided, single submitter. Criteria: Invitae Variant Classification Sherloc (09022015). Collection method: clinical testing. Allele origin: germline.

Breakthrough Genomics
Classification: Benign. Review status: criteria provided, single submitter. Criteria: ACMG Guidelines, 2015. Collection method: not provided. Allele origin: germline. Inheritance: Autosomal dominant inheritance. Affected: yes.

NM_006940.6(SOX5):c.165T>C (p.His55=)

Gene: SOX5 (SRY-box transcription factor 5; minus strand). Cytogenetic location: 12p12.1.
Variant type: single nucleotide variant.
Coding change: c.165T>C on transcript NM_006940.6 (MANE Select); coding-DNA position 165, T replaced by C.
Protein change: p.His55=; no amino-acid change (histidine 55 retained).
Molecular consequence: synonymous variant.
Genome position (GRCh38, 1-based): chr12:23,895,898, A>G on the plus strand (T>C on the coding strand, the complement: SOX5 is on the minus strand). VCF-style: chr12-23895898-A-G. GRCh37 (hg19) VCF-style: chr12-24048832-A-G.
Other names: c.126T>C, p.His42= (NM_001261414.3, NM_152989.5); c.135T>C, p.His45= (NM_001261415.3); c.165T>C, p.His55= (NM_001330785.2).
Identifiers: ClinVar variation 773542 (VCV000773542.33), dbSNP rs61756180, ClinGen allele CA6484426.